The following is an entry in ClinVar:

ClinVar aggregate classification (germline): Uncertain significance (1 of 4 stars; one submission).

gnomAD v4.1: 18 of 1,614,206 alleles (0.0011%); highest among the groups gnomAD compares: Non-Finnish European, 0.0014%; no homozygotes.

Submission:

Labcorp Genetics (formerly Invitae), Labcorp
Classification: Uncertain significance. Last evaluated: 2026-02-03. Review status: criteria provided, single submitter. Criteria: Invitae Variant Classification Sherloc (09022015). Collection method: clinical testing. Allele origin: germline.
Comment: This sequence change replaces threonine, which is neutral and polar, with lysine, which is basic and polar, at codon 983 of the ALPK3 protein (p.Thr983Lys). This variant is not present in population databases (gnomAD no frequency). This variant has not been reported in the literature in individuals affected with ALPK3-related conditions. Invitae Evidence Modeling of protein sequence and biophysical properties (such as structural, functional, and spatial information, amino acid conservation, physicochemical variation, residue mobility, and thermodynamic stability) indicates that this missense variant is not expected to disrupt ALPK3 protein function with a negative predictive value of 80%. In summary, the available evidence is currently insufficient to determine the role of this variant in disease. Therefore, it has been classified as a Variant of Uncertain Significance.

NM_020778.5(ALPK3):c.2342C>A (p.Thr781Lys)

Gene: ALPK3 (alpha kinase 3; plus strand). Cytogenetic location: 15q25.3.
Variant type: single nucleotide variant.
Coding change: c.2342C>A on transcript NM_020778.5 (MANE Select); coding-DNA position 2342, C replaced by A.
Protein change: p.Thr781Lys; replaces threonine 781 with lysine.
Molecular consequence: missense variant.
Genome position (GRCh38, 1-based): chr15:84,857,080, C>A. VCF-style: chr15-84857080-C-A. GRCh37 (hg19) VCF-style: chr15-85400311-C-A.
Other names: short protein forms T781K.
Identifiers: ClinVar variation 4763600 (VCV004763600.1).